The following is an entry in ClinVar:

ClinVar aggregate classification (germline): Uncertain significance. Review status: criteria provided, multiple submitters, no conflicts (2 of 4 stars). 2 submissions from 2 submitters: Uncertain significance (2). Last evaluated 2025-09-08.

Conditions:
POLD1-related polyposis and colorectal cancer syndrome (CRCS10). Also called: Colorectal cancer 10; Colorectal cancer, susceptibility to, 10; COLORECTAL CANCER, SUSCEPTIBILITY TO, ON CHROMOSOME 19q. Identifiers: Orphanet 220460, MedGen C2675481, MONDO:0012953, OMIM 612591.
Hereditary cancer-predisposing syndrome. Also called: Tumor predisposition; Hereditary Cancer Syndrome; Hereditary neoplastic syndrome; Neoplastic Syndromes, Hereditary. Identifiers: Orphanet 140162, MedGen C0027672, MeSH D009386, MONDO:0015356.

gnomAD v4.1: 1 of 1,597,266 alleles (0.000063%); highest among the groups gnomAD compares: Admixed American, 0.0017%; no homozygotes.

Submissions (2):

Ambry Genetics
Classification: Uncertain significance for Hereditary cancer-predisposing syndrome. Last evaluated: 2025-09-08. Review status: criteria provided, single submitter. Criteria: Ambry Variant Classification Scheme 2023. Collection method: clinical testing. Allele origin: germline.
Comment: The c.3220C>A variant (also known as p.R1074R), located in coding exon 26 of the POLD1 gene, results from a C to A substitution at nucleotide position 3220. This nucleotide substitution does not change the arginine at codon 1074. This nucleotide position is well conserved in available vertebrate species. In silico splice site analysis predicts that this alteration will result in the creation or strengthening of a novel splice acceptor site. Based on the available evidence, the clinical significance of this variant remains unclear.

Labcorp Genetics (formerly Invitae), Labcorp
Classification: Uncertain significance for POLD1-related polyposis and colorectal cancer syndrome. Last evaluated: 2024-10-19. Review status: criteria provided, single submitter. Criteria: Invitae Variant Classification Sherloc (09022015). Collection method: clinical testing. Allele origin: germline.
Comment: This sequence change affects codon 1074 of the POLD1 mRNA. It is a 'silent' change, meaning that it does not change the encoded amino acid sequence of the POLD1 protein. The frequency data for this variant in the population databases is considered unreliable, as metrics indicate poor data quality at this position in the gnomAD database. This variant has not been reported in the literature in individuals affected with POLD1-related conditions. Algorithms developed to predict the effect of sequence changes on RNA splicing suggest that this variant may create or strengthen a splice site. In summary, the available evidence is currently insufficient to determine the role of this variant in disease. Therefore, it has been classified as a Variant of Uncertain Significance.

NM_002691.4(POLD1):c.3220C>A (p.Arg1074=)

Gene: POLD1 (DNA polymerase delta 1, catalytic subunit; plus strand). Cytogenetic location: 19q13.33.
Variant type: single nucleotide variant.
Coding change: c.3220C>A on transcript NM_002691.4 (MANE Select); coding-DNA position 3220, C replaced by A.
Protein change: p.Arg1074=; no amino-acid change (arginine 1074 retained).
Molecular consequence: synonymous variant. On other transcripts: non-coding transcript variant (1).
Genome position (GRCh38, 1-based): chr19:50,417,843, C>A. VCF-style: chr19-50417843-C-A. GRCh37 (hg19) VCF-style: chr19-50921100-C-A.
Other names: c.3220C>A, p.Arg1074= (NM_001256849.1); c.3298C>A, p.Arg1100= (NM_001308632.1); c.3220C>A (NM_002691.2).
Identifiers: ClinVar variation 2718561 (VCV002718561.4), dbSNP rs778190445, ClinGen allele CA508186703.